The following is an entry in ClinVar:

ClinVar aggregate classification (germline): Uncertain significance (1 of 4 stars; one submission).

Conditions:
Dilated cardiomyopathy 1AA (CMD1AA). Also called: CARDIOMYOPATHY, DILATED, 1AA, WITH OR WITHOUT LEFT VENTRICULAR NONCOMPACTION; CARDIOMYOPATHY, FAMILIAL HYPERTROPHIC, 23, WITH OR WITHOUT LEFT VENTRICULAR NONCOMPACTION; Cardiomyopathy, dilated, 1AA, with or without LVNC. Identifiers: Orphanet 154, MedGen C2677338, MONDO:0012808, OMIM 612158.
Primary familial hypertrophic cardiomyopathy (HCM). Identifiers: Orphanet 99739, MedGen C0949658, MeSH D024741, MONDO:0024573. Inheritance: Various modes of inheritance.

Submission:

Labcorp Genetics (formerly Invitae), Labcorp
Classification: Uncertain significance for Primary familial hypertrophic cardiomyopathy; Dilated cardiomyopathy 1AA. Last evaluated: 2022-03-05. Review status: criteria provided, single submitter. Criteria: Invitae Variant Classification Sherloc (09022015). Collection method: clinical testing. Allele origin: germline.
Comment: In summary, the available evidence is currently insufficient to determine the role of this variant in disease. Therefore, it has been classified as a Variant of Uncertain Significance. This variant has not been reported in the literature in individuals affected with ACTN2-related conditions. This variant is not present in population databases (gnomAD no frequency). This sequence change creates a premature translational stop signal (p.Leu389Phefs*3) in the ACTN2 gene. It is expected to result in an absent or disrupted protein product. However, the current clinical and genetic evidence is not sufficient to establish whether loss-of-function variants in ACTN2 cause disease.

NM_001103.4(ACTN2):c.1167_1168del (p.Leu389fs)

Gene: ACTN2 (actinin alpha 2; plus strand). Cytogenetic location: 1q43.
Variant type: Deletion.
Coding change: c.1167_1168del on transcript NM_001103.4 (MANE Select); coding-DNA positions 1167 to 1168, 2 bases deleted (GC; older notation c.1167_1168delGC).
Protein change: p.Leu389fs; shifts the reading frame from leucine 389.
Molecular consequence: frameshift variant.
Genome position (GRCh38, 1-based): chr1:236,742,955-236,742,956, GC deleted. VCF-style (leftmost placement, unchanged base first): chr1-236742954-TGC-T. GRCh37 (hg19) VCF-style: chr1-236906254-TGC-T.
Other names: c.1167_1168del, p.Leu389fs (NM_001278343.2); c.543_544del, p.Leu181fs (NM_001278344.2); short protein forms L389fs, L181fs.
Identifiers: ClinVar variation 1464084 (VCV001464084.6), dbSNP rs2102927402, ClinGen allele CA2573132045.